The following is an entry in ClinVar:

ClinVar aggregate classification (germline): Uncertain significance. Review status: criteria provided, multiple submitters, no conflicts (2 of 4 stars). 3 submissions from 3 submitters: Uncertain significance (3). Last evaluated 2025-09-04.

Conditions:
Inborn genetic diseases. Identifiers: MedGen C0950123, MeSH D030342.

Allele frequency attached by ClinVar (database versions not stated): gnomAD exomes 0.00004; gnomAD 0.00005; ESP Exome Variant Server 0.00008; TOPMed 0.00010.

Submissions (3):

Ambry Genetics
Classification: Uncertain significance for Inborn genetic diseases. Last evaluated: 2025-09-04. Review status: criteria provided, single submitter. Criteria: Ambry Variant Classification Scheme 2023. Collection method: clinical testing. Allele origin: germline.

GeneDx
Classification: Uncertain significance. Last evaluated: 2025-05-01. Review status: criteria provided, single submitter. Criteria: GeneDx Variant Classification Process June 2021. Collection method: clinical testing. Allele origin: germline. Affected: yes.
Comment: Not observed at significant frequency in large population cohorts (gnomAD); In silico analysis supports that this missense variant has a deleterious effect on protein structure/function; Has not been previously published as pathogenic or benign to our knowledge

Labcorp Genetics (formerly Invitae), Labcorp
Classification: Uncertain significance. Last evaluated: 2022-07-06. Review status: criteria provided, single submitter. Criteria: Invitae Variant Classification Sherloc (09022015). Collection method: clinical testing. Allele origin: germline.
Comment: This sequence change replaces arginine, which is basic and polar, with tryptophan, which is neutral and slightly polar, at codon 244 of the LAMA1 protein (p.Arg244Trp). This variant is present in population databases (rs200626690, gnomAD 0.01%). This variant has not been reported in the literature in individuals affected with LAMA1-related conditions. Algorithms developed to predict the effect of missense changes on protein structure and function are either unavailable or do not agree on the potential impact of this missense change (SIFT: "Deleterious"; PolyPhen-2: "Probably Damaging"; Align-GVGD: "Class C0"). In summary, the available evidence is currently insufficient to determine the role of this variant in disease. Therefore, it has been classified as a Variant of Uncertain Significance.

NM_005559.4(LAMA1):c.730C>T (p.Arg244Trp)

Gene: LAMA1 (laminin subunit alpha 1; minus strand). Cytogenetic location: 18p11.31.
Variant type: single nucleotide variant.
Coding change: c.730C>T on transcript NM_005559.4 (MANE Select); coding-DNA position 730, C replaced by T.
Protein change: p.Arg244Trp; replaces arginine 244 with tryptophan.
Molecular consequence: missense variant.
Genome position (GRCh38, 1-based): chr18:7,049,116, G>A on the plus strand (C>T on the coding strand, the complement: LAMA1 is on the minus strand). VCF-style: chr18-7049116-G-A. GRCh37 (hg19) VCF-style: chr18-7049115-G-A.
Other names: short protein forms R244W.
Identifiers: ClinVar variation 2054124 (VCV002054124.4), dbSNP rs200626690, ClinGen allele CA8883215.